The following is an entry in ClinVar:

NM_003482.4(KMT2D):c.10922T>C (p.Leu3641Pro)

Gene: KMT2D (lysine methyltransferase 2D; minus strand). Cytogenetic location: 12q13.12.
Variant type: single nucleotide variant.
Coding change: c.10922T>C on transcript NM_003482.4 (MANE Select); coding-DNA position 10922, T replaced by C.
Protein change: p.Leu3641Pro; replaces leucine 3641 with proline.
Molecular consequence: missense variant.
Genome position (GRCh38, 1-based): chr12:49,033,783, A>G on the plus strand (T>C on the coding strand, the complement: KMT2D is on the minus strand). VCF-style: chr12-49033783-A-G. GRCh37 (hg19) VCF-style: chr12-49427566-A-G.
Other names: short protein forms L3641P.
Identifiers: ClinVar variation 2736506 (VCV002736506.3), dbSNP rs2498365972, ClinGen allele CA384724895.

ClinVar aggregate classification (germline): Uncertain significance (1 of 4 stars; one submission).

Conditions:
Kabuki syndrome. Also called: Kabuki make-up syndrome; NIIKAWA-KUROKI SYNDROME. Identifiers: Orphanet 2322, MedGen C0796004, MONDO:0016512.

Submission:

Labcorp Genetics (formerly Invitae), Labcorp
Classification: Uncertain significance for Kabuki syndrome. Last evaluated: 2023-10-05. Review status: criteria provided, single submitter. Criteria: Invitae Variant Classification Sherloc (09022015). Collection method: clinical testing. Allele origin: germline.
Comment: This sequence change replaces leucine, which is neutral and non-polar, with proline, which is neutral and non-polar, at codon 3641 of the KMT2D protein (p.Leu3641Pro). This variant is not present in population databases (gnomAD no frequency). This variant has not been reported in the literature in individuals affected with KMT2D-related conditions. Advanced modeling of protein sequence and biophysical properties (such as structural, functional, and spatial information, amino acid conservation, physicochemical variation, residue mobility, and thermodynamic stability) performed at Invitae indicates that this missense variant is not expected to disrupt KMT2D protein function. In summary, the available evidence is currently insufficient to determine the role of this variant in disease. Therefore, it has been classified as a Variant of Uncertain Significance.